The following is an entry in ClinVar:

NM_001012720.2(RGR):c.142C>T (p.Arg48Trp)

Gene: RGR (retinal G protein coupled receptor; plus strand). Cytogenetic location: 10q23.1.
Variant type: single nucleotide variant.
Coding change: c.142C>T on transcript NM_001012720.2 (MANE Select); coding-DNA position 142, C replaced by T.
Protein change: p.Arg48Trp; replaces arginine 48 with tryptophan.
Molecular consequence: missense variant.
Genome position (GRCh38, 1-based): chr10:84,247,653, C>T. VCF-style: chr10-84247653-C-T. GRCh37 (hg19) VCF-style: chr10-86007409-C-T.
Other names: c.142C>T (NM_001012720.1); c.142C>T, p.Arg48Trp (NM_001012722.2, NM_002921.4); short protein forms R48W.
Identifiers: ClinVar variation 1463129 (VCV001463129.9), dbSNP rs139595177, ClinGen allele CA5581314.

ClinVar aggregate classification (germline): Uncertain significance. Review status: criteria provided, multiple submitters, no conflicts (2 of 4 stars). 4 submissions from 4 submitters: Uncertain significance (4). Last evaluated 2024-12-07.

Conditions:
Retinitis pigmentosa 44 (RP44). Identifiers: Orphanet 791, MedGen C3151068, MONDO:0013414, OMIM 613769.

Allele frequency attached by ClinVar (database versions not stated): ExAC 0.00007; gnomAD 0.00009 and 0.00010; TOPMed 0.00010; ESP Exome Variant Server 0.00031.
gnomAD v4.1: 398 of 1,614,082 alleles (0.025%); highest among the groups gnomAD compares: Non-Finnish European, 0.031%; no homozygotes.

Submissions (4):

Labcorp Genetics (formerly Invitae), Labcorp
Classification: Uncertain significance. Last evaluated: 2024-12-07. Review status: criteria provided, single submitter. Criteria: Invitae Variant Classification Sherloc (09022015). Collection method: clinical testing. Allele origin: germline.
Comment: This sequence change replaces arginine, which is basic and polar, with tryptophan, which is neutral and slightly polar, at codon 48 of the RGR protein (p.Arg48Trp). This variant is present in population databases (rs139595177, gnomAD 0.02%). This variant has not been reported in the literature in individuals affected with RGR-related conditions. ClinVar contains an entry for this variant (Variation ID: 1463129). An algorithm developed to predict the effect of missense changes on protein structure and function outputs the following: PolyPhen-2: "Not Available". The tryptophan amino acid residue is found in multiple mammalian species, which suggests that this missense change does not adversely affect protein function. In summary, the available evidence is currently insufficient to determine the role of this variant in disease. Therefore, it has been classified as a Variant of Uncertain Significance.

Blueprint Genetics
Classification: Uncertain significance. Last evaluated: 2024-09-02. Review status: criteria provided, single submitter. Criteria: ACMG Guidelines, 2015. Collection method: clinical testing. Allele origin: germline.

Ambry Genetics
Classification: Uncertain significance. Last evaluated: 2024-03-19. Review status: criteria provided, single submitter. Criteria: Ambry Variant Classification Scheme 2023. Collection method: clinical testing. Allele origin: germline.

Department of Pathology and Laboratory Medicine, Sinai Health System
Classification: Uncertain significance for Retinitis pigmentosa 44. Last evaluated: 2021-07-30. Review status: criteria provided, single submitter. Criteria: ACMG Guidelines, 2015. Collection method: research. Allele origin: germline.